The following is an entry in ClinVar:

ClinVar aggregate classification (germline): Uncertain significance (1 of 4 stars; one submission).

Allele frequency attached by ClinVar (database versions not stated): gnomAD 0.00001; gnomAD exomes 0.00002.
gnomAD v4.1: 35 of 1,585,448 alleles (0.0022%); highest among the groups gnomAD compares: Non-Finnish European, 0.003%; no homozygotes.

Submission:

Labcorp Genetics (formerly Invitae), Labcorp
Classification: Uncertain significance. Last evaluated: 2022-05-28. Review status: criteria provided, single submitter. Criteria: Invitae Variant Classification Sherloc (09022015). Collection method: clinical testing. Allele origin: germline.
Comment: In summary, the available evidence is currently insufficient to determine the role of this variant in disease. Therefore, it has been classified as a Variant of Uncertain Significance. Algorithms developed to predict the effect of sequence changes on RNA splicing suggest that this variant may disrupt the consensus splice site. ClinVar contains an entry for this variant (Variation ID: 1499754). This variant has not been reported in the literature in individuals affected with ATF6-related conditions. This variant is not present in population databases (gnomAD no frequency). This sequence change falls in intron 15 of the ATF6 gene. It does not directly change the encoded amino acid sequence of the ATF6 protein.

NM_007348.4(ATF6):c.1805-13T>G

Gene: ATF6 (activating transcription factor 6; plus strand). Cytogenetic location: 1q23.3.
Variant type: single nucleotide variant.
Coding change: c.1805-13T>G on transcript NM_007348.4 (MANE Select); 13 bases into the intron before coding-DNA position 1805, T replaced by G.
Molecular consequence: intron variant.
Genome position (GRCh38, 1-based): chr1:161,958,433, T>G. VCF-style: chr1-161958433-T-G. GRCh37 (hg19) VCF-style: chr1-161928223-T-G.
Identifiers: ClinVar variation 1499754 (VCV001499754.8), dbSNP rs1689011527, ClinGen allele CA1008461893.
Genomic context (GRCh38, chr1:161,958,433, plus strand): 5'-CTGGGGCTGAAGCTTATGGCAGAGATGCACATTCTGTTGAATATTTATTCTTTGTGTATA[T>G]TCCTGTCTGCAGAGAATGTGATCAATGGGCAGGACTACGAAGTGATGATGCAGATTGACT-3'